The following is an entry in ClinVar:

NM_006231.4(POLE):c.5289G>T (p.Gln1763His)

Gene: POLE (DNA polymerase epsilon, catalytic subunit; minus strand). Cytogenetic location: 12q24.33.
Variant type: single nucleotide variant.
Coding change: c.5289G>T on transcript NM_006231.4 (MANE Select); coding-DNA position 5289, G replaced by T.
Protein change: p.Gln1763His; replaces glutamine 1763 with histidine.
Molecular consequence: missense variant.
Genome position (GRCh38, 1-based): chr12:132,641,736, C>A on the plus strand (G>T on the coding strand, the complement: POLE is on the minus strand). VCF-style: chr12-132641736-C-A. GRCh37 (hg19) VCF-style: chr12-133218322-C-A.
Other names: short protein forms Q1763H.
Identifiers: ClinVar variation 1443967 (VCV001443967.6), dbSNP rs2138524610, ClinGen allele CA387376128.

ClinVar aggregate classification (germline): Uncertain significance (1 of 4 stars; one submission).

Submission:

Labcorp Genetics (formerly Invitae), Labcorp
Classification: Uncertain significance. Last evaluated: 2021-11-12. Review status: criteria provided, single submitter. Criteria: Invitae Variant Classification Sherloc (09022015). Collection method: clinical testing. Allele origin: germline.
Comment: Algorithms developed to predict the effect of missense changes on protein structure and function (SIFT, PolyPhen-2, Align-GVGD) all suggest that this variant is likely to be tolerated. In summary, the available evidence is currently insufficient to determine the role of this variant in disease. Therefore, it has been classified as a Variant of Uncertain Significance. This variant has not been reported in the literature in individuals affected with POLE-related conditions. This variant is not present in population databases (gnomAD no frequency). This sequence change replaces glutamine, which is neutral and polar, with histidine, which is basic and polar, at codon 1763 of the POLE protein (p.Gln1763His).